The following is an entry in ClinVar:

ClinVar aggregate classification (germline): Likely benign. Review status: criteria provided, multiple submitters, no conflicts (2 of 4 stars). 2 submissions from 2 submitters: Likely benign (2). Last evaluated 2021-08-02.

Conditions:
Dilated cardiomyopathy 1G (CMD1G). Identifiers: Orphanet 154, MedGen C1858763, MONDO:0011400, OMIM 604145.
Autosomal recessive limb-girdle muscular dystrophy type 2J (LGMDR10). Also called: MUSCULAR DYSTROPHY, LIMB-GIRDLE, AUTOSOMAL RECESSIVE 10; Limb-girdle muscular dystrophy, type 2J. Identifiers: Orphanet 140922, MedGen C1837342, MONDO:0012127, OMIM 608807.

Allele frequency attached by ClinVar (database versions not stated): gnomAD exomes below 0.00001 and 0.00001; TOPMed below 0.00001; ExAC 0.00001.
gnomAD v4.1: 2 of 1,602,190 alleles (0.00012%); highest among the groups gnomAD compares: Admixed American, 0.0034%; no homozygotes.

Submissions (2):

Labcorp Genetics (formerly Invitae), Labcorp
Classification: Likely benign for Dilated cardiomyopathy 1G; Autosomal recessive limb-girdle muscular dystrophy type 2J. Last evaluated: 2021-08-02. Review status: criteria provided, single submitter. Criteria: Invitae Variant Classification Sherloc (09022015). Collection method: clinical testing. Allele origin: germline.

GeneDx
Classification: Likely benign. Last evaluated: 2016-11-09. Review status: criteria provided, single submitter. Criteria: GeneDx Variant Classification (06012015). Collection method: clinical testing. Allele origin: germline. Affected: yes.
Comment: This variant is considered likely benign or benign based on one or more of the following criteria: it is a conservative change, it occurs at a poorly conserved position in the protein, it is predicted to be benign by multiple in silico algorithms, and/or has population frequency not consistent with disease.

NM_001267550.2(TTN):c.44833T>C (p.Leu14945=)

Gene: TTN (titin; minus strand). Cytogenetic location: 2q31.2.
Variant type: single nucleotide variant.
Coding change: c.44833T>C on transcript NM_001267550.2 (MANE Select); coding-DNA position 44833, T replaced by C.
Protein change: p.Leu14945=; no amino-acid change (leucine 14945 retained).
Molecular consequence: synonymous variant.
Genome position (GRCh38, 1-based): chr2:178,622,750, A>G on the plus strand (T>C on the coding strand, the complement: TTN is on the minus strand). VCF-style: chr2-178622750-A-G. GRCh37 (hg19) VCF-style: chr2-179487477-A-G.
Other names: c.39910T>C, p.Leu13304= (NM_001256850.1); c.17638T>C, p.Leu5880= (NM_003319.4); c.37129T>C, p.Leu12377= (NM_133378.4); c.18013T>C, p.Leu6005= (NM_133432.3); c.18214T>C, p.Leu6072= (NM_133437.4).
Identifiers: ClinVar variation 390968 (VCV000390968.9), dbSNP rs746441554, ClinGen allele CA1995555.